The following is an entry in ClinVar:

ClinVar aggregate classification (germline): Conflicting classifications of pathogenicity. Review status: criteria provided, conflicting classifications (1 of 4 stars). 5 submissions from 4 submitters: Uncertain significance (4); Likely benign (1). Last evaluated 2026-01-23.

Conditions:
Familial thoracic aortic aneurysm and aortic dissection (TAAD). Also called: Thoracic aortic aneurysms and dissections. Identifiers: Orphanet 91387, MedGen C4707243, MONDO:0019625.
Aortic valve disease 1 (AOVD1). Identifiers: MedGen C3887892, MONDO:0024523, OMIM 109730.
Adams-Oliver syndrome 5 (AOS5). Identifiers: Orphanet 974, MedGen C4014970, MONDO:0014459, OMIM 616028.

Allele frequency attached by ClinVar (database versions not stated): gnomAD exomes below 0.00001 and 0.00001; gnomAD 0.00001; TOPMed 0.00001; ExAC 0.00003; ESP Exome Variant Server 0.00016.
gnomAD v4.1: 21 of 1,612,516 alleles (0.0013%); highest among the groups gnomAD compares: Non-Finnish European, 0.0017%; no homozygotes.

Submissions (5):

Labcorp Genetics (formerly Invitae), Labcorp
Classification: Likely benign for Adams-Oliver syndrome 5. Last evaluated: 2026-01-23. Review status: criteria provided, single submitter. Criteria: Invitae Variant Classification Sherloc (09022015). Collection method: clinical testing. Allele origin: germline.

Ambry Genetics
Classification: Uncertain significance for Familial thoracic aortic aneurysm and aortic dissection. Last evaluated: 2023-12-19. Review status: criteria provided, single submitter. Criteria: Ambry Variant Classification Scheme 2023. Collection method: clinical testing. Allele origin: germline.
Comment: The p.Q2384E variant (also known as c.7150C>G), located in coding exon 34 of the NOTCH1 gene, results from a C to G substitution at nucleotide position 7150. The glutamine at codon 2384 is replaced by glutamic acid, an amino acid with highly similar properties. This variant has been detected in a sporadic bicuspid aortic valve cohort; however, details were limited (Debiec RM et al. Heart. 2022 Jun;108(14):1114-1120). This amino acid position is well conserved in available vertebrate species. In addition, this alteration is predicted to be tolerated by in silico analysis. Since supporting evidence is limited at this time, the clinical significance of this alteration remains unclear.

Genome-Nilou Lab
Classification: Uncertain significance for Adams-Oliver syndrome 5. Last evaluated: 2022-03-15. Review status: criteria provided, single submitter. Criteria: ACMG Guidelines, 2015. Collection method: clinical testing. Allele origin: germline. Affected: no.

Genome-Nilou Lab
Classification: Uncertain significance for Aortic valve disease 1. Last evaluated: 2022-03-15. Review status: criteria provided, single submitter. Criteria: ACMG Guidelines, 2015. Collection method: clinical testing. Allele origin: germline. Affected: no.

GeneDx
Classification: Uncertain significance. Last evaluated: 2020-01-07. Review status: criteria provided, single submitter. Criteria: GeneDx Variant Classification Process June 2021. Collection method: clinical testing. Allele origin: germline. Affected: yes.
Comment: Has not been previously published as pathogenic or benign to our knowledge; Reported in ClinVar as a variant of uncertain significance (ClinVar Variant ID# 264454; Landrum et al., 2016); Not observed at a significant frequency in large population cohorts (Lek et al., 2016); In silico analysis, which includes protein predictors and evolutionary conservation, supports that this variant does not alter protein structure/function

Literature cited by the submitters: PubMed 35288444 (cited by Ambry Genetics).

NM_017617.5(NOTCH1):c.7150C>G (p.Gln2384Glu)

Gene: NOTCH1 (notch receptor 1; minus strand). Cytogenetic location: 9q34.3.
Variant type: single nucleotide variant.
Coding change: c.7150C>G on transcript NM_017617.5 (MANE Select); coding-DNA position 7150, C replaced by G.
Protein change: p.Gln2384Glu; replaces glutamine 2384 with glutamic acid.
Molecular consequence: missense variant.
Genome position (GRCh38, 1-based): chr9:136,496,589, G>C on the plus strand (C>G on the coding strand, the complement: NOTCH1 is on the minus strand). VCF-style: chr9-136496589-G-C. GRCh37 (hg19) VCF-style: chr9-139391041-G-C.
Other names: c.7150C>G, p.Gln2384Glu (LRG_1122t1); short protein forms Q2384E.
Identifiers: ClinVar variation 264454 (VCV000264454.54), dbSNP rs375119074, ClinGen allele CA5339742.